The following is an entry in ClinVar:

NM_000350.3(ABCA4):c.4611G>A (p.Thr1537=)

Gene: ABCA4 (ATP binding cassette subfamily A member 4; minus strand). Cytogenetic location: 1p22.1.
Variant type: single nucleotide variant.
Coding change: c.4611G>A on transcript NM_000350.3 (MANE Select); coding-DNA position 4611, G replaced by A.
Protein change: p.Thr1537=; no amino-acid change (threonine 1537 retained).
Molecular consequence: synonymous variant.
Genome position (GRCh38, 1-based): chr1:94,024,977, C>T on the plus strand (G>A on the coding strand, the complement: ABCA4 is on the minus strand). VCF-style: chr1-94024977-C-T. GRCh37 (hg19) VCF-style: chr1-94490533-C-T.
Other names: c.4389G>A, p.Thr1463= (NM_001425324.1).
Identifiers: ClinVar variation 236118 (VCV000236118.56), dbSNP rs138475920, ClinGen allele CA957551.
Genomic context (GRCh38, chr1:94,024,977, plus strand): 5'-GAGCCAGGATAAAAAGCATAAAAGGATTTCTTCTTACCTGCTTCTTATAAGAGCAGGATA[C>T]GTTTTTACCAAGAAGTCGGAGATGTTCCTGTCCGTCAGGTCTTGTAGAATTTCCGTGCTG-3'
Protein context (NP_000341.2, residues 1527-1547): DRNISDFLVK[Thr1537=]YPALIRSSLK

ClinVar aggregate classification (germline): Conflicting classifications of pathogenicity. Review status: criteria provided, conflicting classifications (1 of 4 stars). 7 submissions from 7 submitters: Uncertain significance (2); Benign (2); Likely benign (3). Last evaluated 2026-01-26.

Conditions:
ABCA4-related disorder. Also called: ABCA4-related disorders; ABCA4-related condition. Identifiers: MedGen CN239167.
Retinal dystrophy. Also called: Inherited retinal dystrophy. Identifiers: Orphanet 71862, MedGen C0854723, MeSH D058499, MONDO:0019118, HP:0000556.

Allele frequency attached by ClinVar (database versions not stated): 1000 Genomes Project 30x 0.00016; 1000 Genomes Project 0.00020; ESP Exome Variant Server 0.00046; TOPMed 0.00056.
gnomAD v4.1: 1,521 of 1,614,132 alleles (0.094%); highest among the groups gnomAD compares: Non-Finnish European, 0.099%; 5 homozygotes.

Submissions (7):

Labcorp Genetics (formerly Invitae), Labcorp
Classification: Benign. Last evaluated: 2026-01-26. Review status: criteria provided, single submitter. Criteria: Invitae Variant Classification Sherloc (09022015). Collection method: clinical testing. Allele origin: germline.

Blueprint Genetics
Classification: Likely benign. Last evaluated: 2024-11-19. Review status: criteria provided, single submitter. Criteria: ACMG Guidelines, 2015. Collection method: clinical testing. Allele origin: germline.

CeGaT Center for Human Genetics Tuebingen
Classification: Likely benign. Last evaluated: 2024-02-01. Review status: criteria provided, single submitter. Criteria: CeGaT Center For Human Genetics Tuebingen Variant Classification Criteria Version 2. Collection method: clinical testing. Allele origin: germline. Affected: yes. Observed: 5 variant alleles.
Comment: ABCA4: BP4, BP7

Institute of Human Genetics, Univ. Regensburg, Univ. Regensburg
Classification: Likely benign for Retinal dystrophy. Last evaluated: 2023-01-01. Review status: criteria provided, single submitter. Criteria: ACMG Guidelines, 2015. Collection method: clinical testing. Allele origin: germline. Affected: yes.

Illumina Laboratory Services, Illumina
Classification: Uncertain significance for ABCA4-Related Disorders. Last evaluated: 2017-04-27. Review status: criteria provided, single submitter. Criteria: ICSL Variant Classification Criteria 13 December 2019. Collection method: clinical testing. Allele origin: germline.

Eurofins Ntd Llc (ga)
Classification: Uncertain significance. Last evaluated: 2016-09-01. Review status: criteria provided, single submitter. Criteria: EGL Classification Definitions 2015. Collection method: clinical testing. Allele origin: germline. Observed: 1 variant allele, 1 heterozygote.

GeneDx
Classification: Benign. Last evaluated: 2015-03-03. Review status: criteria provided, single submitter. Criteria: GeneDx Variant Classification Process June 2021. Collection method: clinical testing. Allele origin: germline. Affected: yes.

Literature cited by the submitters: PubMed 28118664 (cited by Institute of Human Genetics, Univ. Regensburg, Univ. Regensburg).